The following is an entry in ClinVar:

ClinVar aggregate classification (germline): Likely pathogenic (1 of 4 stars; one submission).

Conditions:
HUWE1-related disorder. Also called: HUWE1-related condition.

Submission:

PreventionGenetics, part of Exact Sciences
Classification: Likely pathogenic for HUWE1-related condition. Last evaluated: 2022-11-07. Review status: criteria provided, single submitter. Criteria: ACMG Guidelines, 2015. Collection method: clinical testing. Allele origin: germline.
Comment: The HUWE1 c.2329G>A variant is predicted to result in the amino acid substitution p.Val777Met. To our knowledge, this variant has not been reported in the literature or in a large population database, indicating this variant is rare. This variant is interpreted as likely pathogenic.

NM_031407.7(HUWE1):c.2329G>A (p.Val777Met)

Gene: HUWE1 (HECT, UBA and WWE domain containing E3 ubiquitin protein ligase 1; minus strand). Cytogenetic location: Xp11.22.
Variant type: single nucleotide variant.
Coding change: c.2329G>A on transcript NM_031407.7 (MANE Select); coding-DNA position 2329, G replaced by A.
Protein change: p.Val777Met; replaces valine 777 with methionine.
Molecular consequence: missense variant.
Genome position (GRCh38, 1-based): chrX:53,607,690, C>T on the plus strand (G>A on the coding strand, the complement: HUWE1 is on the minus strand). VCF-style: chrX-53607690-C-T. GRCh37 (hg19) VCF-style: chrX-53634651-C-T.
Other names: short protein forms V777M.
Identifiers: ClinVar variation 2629233 (VCV002629233.1), dbSNP rs2527047592, ClinGen allele CA413182011.